The following is an entry in ClinVar:

NM_005219.5(DIAPH1):c.2650G>A (p.Ala884Thr)

Gene: DIAPH1 (diaphanous related formin 1; minus strand). Cytogenetic location: 5q31.3.
Variant type: single nucleotide variant.
Coding change: c.2650G>A on transcript NM_005219.5 (MANE Select); coding-DNA position 2650, G replaced by A.
Protein change: p.Ala884Thr; replaces alanine 884 with threonine.
Molecular consequence: missense variant.
Genome position (GRCh38, 1-based): chr5:141,529,629, C>T on the plus strand (G>A on the coding strand, the complement: DIAPH1 is on the minus strand). VCF-style: chr5-141529629-C-T. GRCh37 (hg19) VCF-style: chr5-140909196-C-T.
Other names: c.2623G>A, p.Ala875Thr (NM_001079812.3); c.2650G>A, p.Ala884Thr (NM_001314007.2); short protein forms A875T, A884T.
Identifiers: ClinVar variation 1421334 (VCV001421334.6), dbSNP rs1214856083, ClinGen allele CA361586334.

ClinVar aggregate classification (germline): Uncertain significance (1 of 4 stars; one submission).

Conditions:
Autosomal dominant nonsyndromic hearing loss 1. Also called: KONIGSMARK SYNDROME; DEAFNESS, AUTOSOMAL DOMINANT 1, WITH OR WITHOUT THROMBOCYTOPENIA. Identifiers: Orphanet 90635, MedGen C1852282, MONDO:0007424, OMIM 124900.
Progressive microcephaly-seizures-cortical blindness-developmental delay syndrome. Also called: Seizures, cortical blindness, and microcephaly syndrome. Identifiers: Orphanet 477814, MedGen C5567650, MONDO:0014714, OMIM 616632.

gnomAD v4.1: 1 of 1,614,026 alleles (0.000062%); highest among the groups gnomAD compares: Non-Finnish European, 0.000085%; no homozygotes.

Submission:

Labcorp Genetics (formerly Invitae), Labcorp
Classification: Uncertain significance for Progressive microcephaly-seizures-cortical blindness-developmental delay syndrome; Autosomal dominant nonsyndromic hearing loss 1. Last evaluated: 2021-08-31. Review status: criteria provided, single submitter. Criteria: Invitae Variant Classification Sherloc (09022015). Collection method: clinical testing. Allele origin: germline.
Comment: In summary, the available evidence is currently insufficient to determine the role of this variant in disease. Therefore, it has been classified as a Variant of Uncertain Significance. Algorithms developed to predict the effect of missense changes on protein structure and function (SIFT, PolyPhen-2, Align-GVGD) all suggest that this variant is likely to be tolerated. This variant has not been reported in the literature in individuals affected with DIAPH1-related conditions. This variant is not present in population databases (ExAC no frequency). This sequence change replaces alanine with threonine at codon 884 of the DIAPH1 protein (p.Ala884Thr). The alanine residue is moderately conserved and there is a small physicochemical difference between alanine and threonine.